The following is an entry in ClinVar:

ClinVar aggregate classification (germline): Uncertain significance. Review status: criteria provided, multiple submitters, no conflicts (2 of 4 stars). 2 submissions from 2 submitters: Uncertain significance (2). Last evaluated 2025-06-07.

Conditions:
Familial adenomatous polyposis 1 (FAP1). Also called: FAMILIAL ADENOMATOUS POLYPOSIS 1, ATTENUATED; POLYPOSIS, ADENOMATOUS INTESTINAL. Identifiers: MedGen C2713442, MONDO:0021056, OMIM 175100. Disease mechanism: loss of function.
Hereditary cancer-predisposing syndrome. Also called: Neoplastic Syndromes, Hereditary; Tumor predisposition; Hereditary Cancer Syndrome; Hereditary neoplastic syndrome. Identifiers: Orphanet 140162, MedGen C0027672, MeSH D009386, MONDO:0015356.

Submissions (2):

Ambry Genetics
Classification: Uncertain significance for Hereditary cancer-predisposing syndrome. Last evaluated: 2025-06-07. Review status: criteria provided, single submitter. Criteria: Ambry Variant Classification Scheme 2023. Collection method: clinical testing. Allele origin: germline.
Comment: The p.R1478M variant (also known as c.4433G>T), located in coding exon 15 of the APC gene, results from a G to T substitution at nucleotide position 4433. The arginine at codon 1478 is replaced by methionine, an amino acid with similar properties. This amino acid position is conserved. In addition, in silico predictors for this gene do not accurately predict pathogenicity. Based on the available evidence, the clinical significance of this variant remains unclear.

Labcorp Genetics (formerly Invitae), Labcorp
Classification: Uncertain significance for Familial adenomatous polyposis 1. Last evaluated: 2024-08-21. Review status: criteria provided, single submitter. Criteria: Invitae Variant Classification Sherloc (09022015). Collection method: clinical testing. Allele origin: germline.
Comment: This sequence change replaces arginine, which is basic and polar, with methionine, which is neutral and non-polar, at codon 1478 of the APC protein (p.Arg1478Met). This variant is not present in population databases (gnomAD no frequency). This variant has not been reported in the literature in individuals affected with APC-related conditions. Invitae Evidence Modeling of protein sequence and biophysical properties (such as structural, functional, and spatial information, amino acid conservation, physicochemical variation, residue mobility, and thermodynamic stability) indicates that this missense variant is not expected to disrupt APC protein function with a negative predictive value of 95%. In summary, the available evidence is currently insufficient to determine the role of this variant in disease. Therefore, it has been classified as a Variant of Uncertain Significance.

NM_000038.6(APC):c.4433G>T (p.Arg1478Met)

Gene: APC (APC regulator of Wnt signaling pathway; plus strand). Cytogenetic location: 5q22.2.
Variant type: single nucleotide variant.
Coding change: c.4433G>T on transcript NM_000038.6 (MANE Select); coding-DNA position 4433, G replaced by T.
Protein change: p.Arg1478Met; replaces arginine 1478 with methionine.
Molecular consequence: missense variant. On other transcripts: non-coding transcript variant (2).
Genome position (GRCh38, 1-based): chr5:112,840,027, G>T. VCF-style: chr5-112840027-G-T. GRCh37 (hg19) VCF-style: chr5-112175724-G-T.
Other names: c.4433G>T, p.Arg1478Met (NM_001127510.3, NM_001354895.2, NM_001407450.1); c.4379G>T, p.Arg1460Met (NM_001127511.3); c.4487G>T, p.Arg1496Met (NM_001354896.2, NM_001407447.1, NM_001407448.1 and 1 more transcripts); c.4463G>T, p.Arg1488Met (NM_001354897.2); c.4358G>T, p.Arg1453Met (NM_001354898.2); c.4349G>T, p.Arg1450Met (NM_001354899.2); c.4310G>T, p.Arg1437Met (NM_001354900.2); c.4256G>T, p.Arg1419Met (NM_001354901.2, NM_001407453.1); and 12 more; short protein forms R1094M, R1349M, R1352M, R1460M, R1478M, R1377M, R1419M, R1318M.
Identifiers: ClinVar variation 3635464 (VCV003635464.3).